The following is an entry in ClinVar:

NM_001113378.2(FANCI):c.956T>C (p.Ile319Thr)

Gene: FANCI (FA complementation group I; plus strand). Cytogenetic location: 15q26.1.
Variant type: single nucleotide variant.
Coding change: c.956T>C on transcript NM_001113378.2 (MANE Select); coding-DNA position 956, T replaced by C.
Protein change: p.Ile319Thr; replaces isoleucine 319 with threonine.
Molecular consequence: missense variant.
Genome position (GRCh38, 1-based): chr15:89,273,450, T>C. VCF-style: chr15-89273450-T-C. GRCh37 (hg19) VCF-style: chr15-89816681-T-C.
Other names: c.677T>C, p.Ile226Thr (NM_001376910.1); c.956T>C, p.Ile319Thr (NM_001376911.1, NM_018193.3); short protein forms I319T, I226T.
Identifiers: ClinVar variation 640052 (VCV000640052.9), dbSNP rs1024430096, ClinGen allele CA274552581.
Genomic context (GRCh38, chr15:89,273,450, plus strand): 5'-GAGATTCCAATAATAACTTAAGTCCCTTCAGCATTGCTCTTCTTCTGTCTGTAACAAGAA[T>C]ACAAAGATTTCAGGACCAGGTATTTTTTTAAAATGCCATTTTGTTTCTTTCTGTAGTTGG-3'
Protein context (NP_001106849.1, residues 309-329): SIALLLSVTR[Ile319Thr]QRFQDQVLDL

ClinVar aggregate classification (germline): Uncertain significance. Review status: criteria provided, multiple submitters, no conflicts (2 of 4 stars). 2 submissions from 2 submitters: Uncertain significance (2). Last evaluated 2024-10-08.

Conditions:
Fanconi anemia (FA). Also called: Fanconi's anemia. Identifiers: Orphanet 84, MedGen C0015625, MeSH D005199, MONDO:0019391.

Submissions (2):

Blueprint Genetics
Classification: Uncertain significance. Last evaluated: 2024-10-08. Review status: criteria provided, single submitter. Criteria: ACMG Guidelines, 2015. Collection method: clinical testing. Allele origin: germline.

Labcorp Genetics (formerly Invitae), Labcorp
Classification: Uncertain significance for Fanconi anemia. Last evaluated: 2022-08-22. Review status: criteria provided, single submitter. Criteria: Invitae Variant Classification Sherloc (09022015). Collection method: clinical testing. Allele origin: germline.
Comment: This sequence change replaces isoleucine, which is neutral and non-polar, with threonine, which is neutral and polar, at codon 319 of the FANCI protein (p.Ile319Thr). This variant is not present in population databases (gnomAD no frequency). This variant has not been reported in the literature in individuals affected with FANCI-related conditions. ClinVar contains an entry for this variant (Variation ID: 640052). Algorithms developed to predict the effect of missense changes on protein structure and function are either unavailable or do not agree on the potential impact of this missense change (SIFT: "Deleterious"; PolyPhen-2: "Possibly Damaging"; Align-GVGD: "Class C0"). In summary, the available evidence is currently insufficient to determine the role of this variant in disease. Therefore, it has been classified as a Variant of Uncertain Significance.